The following is an entry in ClinVar:

NM_001368894.2(PAX6):c.417_418del (p.Arg139fs)

Gene: PAX6 (paired box 6; minus strand). Cytogenetic location: 11p13.
Variant type: Microsatellite.
Coding change: c.417_418del on transcript NM_001368894.2 (MANE Select); coding-DNA positions 417 to 418, 2 bases deleted (AG; older notation c.417_418delAG).
Protein change: p.Arg139fs; shifts the reading frame from arginine 139.
Molecular consequence: frameshift variant. On other transcripts: 5 prime UTR variant (14), non-coding transcript variant (2).
Genome position (GRCh38, 1-based): chr11:31,800,838-31,800,839, CT deleted on the plus strand (AG on the coding strand, the reverse complement: PAX6 is on the minus strand); deleting any 2 consecutive bases within chr11:31,800,838-31,800,841 gives the same sequence; the c. name uses the placement nearest the transcript's 3' end. VCF-style (leftmost placement, unchanged base first): chr11-31800837-ACT-A. GRCh37 (hg19) VCF-style: chr11-31822385-ACT-A.
Other names: c.375_376del, p.Arg125fs (NM_001127612.3, NM_001258464.2, NM_001310159.1 and 10 more transcripts); c.417_418del, p.Arg139fs (NM_001258462.3, NM_001258463.2, NM_001310158.2 and 6 more transcripts); c.-36AG[1] (NM_001310160.2, NM_001310161.3, NM_001368899.2 and 11 more transcripts); c.450_451del, p.Arg150fs (NM_001368920.2); c.618_619del, p.Arg206fs (NM_001368910.2); c.420_421del, p.Arg140fs (NM_001368911.2); c.492_493del, p.Arg164fs (NM_001368918.2, NM_001368919.2); c.216_217del, p.Arg72fs (NM_001368923.2, NM_001368924.2, NM_001368921.2 and 4 more transcripts); and 1 more; short protein forms R140fs, R72fs, R164fs, R58fs, R125fs, R139fs, R150fs, R206fs.
Identifiers: ClinVar variation 800434 (VCV000800434.6), dbSNP rs1592532084, ClinGen allele CA915948056.
Genomic context (GRCh38, chr11:31,800,837, plus strand): 5'-AGTTTATCATACATGCCGTCTGCGCCCATCTGTTGCTTTTCGCTAGCCAGGTTGCGAAGA[ACT>A]CTGTTTATTGATGACACCTGCAAATCAAACCAAAATCAAACCAAATGGTAGTGTCTCCTG-3'

ClinVar aggregate classification (germline): Pathogenic. Review status: criteria provided, multiple submitters, no conflicts (2 of 4 stars). 2 submissions from 2 submitters: Pathogenic (2). Last evaluated 2022-05-15.

Conditions:
Aniridia 1 (AN1). Identifiers: Orphanet 250923, MedGen C0344542, MONDO:0024507, OMIM 106210.
Irido-corneo-trabecular dysgenesis (ASGD5). Also called: ANTERIOR SEGMENT DYSGENESIS 5. Identifiers: Orphanet 708, MedGen C0344559, MONDO:0011414, OMIM 604229, HP:0000659.

Submissions (2):

Labcorp Genetics (formerly Invitae), Labcorp
Classification: Pathogenic for Aniridia 1; Irido-corneo-trabecular dysgenesis. Last evaluated: 2022-05-15. Review status: criteria provided, single submitter. Criteria: Invitae Variant Classification Sherloc (09022015). Collection method: clinical testing. Allele origin: germline.
Comment: This sequence change creates a premature translational stop signal (p.Arg125Serfs*7) in the PAX6 gene. It is expected to result in an absent or disrupted protein product. Loss-of-function variants in PAX6 are known to be pathogenic (PMID: 12634864). This variant is not present in population databases (gnomAD no frequency). For these reasons, this variant has been classified as Pathogenic. This premature translational stop signal has been observed in individual(s) with Aniridia (PMID: 32360764).

Wessex Regional Genetics Laboratory, Salisbury District Hospital
Classification: Pathogenic for Aniridia 1. Last evaluated: 2019-08-15. Review status: criteria provided, single submitter. Criteria: ACMG Guidelines, 2015. Collection method: clinical testing. Allele origin: inherited. Inheritance: Autosomal dominant inheritance. Affected: yes. Observed: 2 variant alleles.

Literature cited by the submitters: PubMed 12634864 (cited by Labcorp Genetics (formerly Invitae), Labcorp); PubMed 32360764 (cited by Labcorp Genetics (formerly Invitae), Labcorp).